The following is an entry in ClinVar:

ClinVar aggregate classification (germline): Uncertain significance (1 of 4 stars; one submission).

Submission:

GeneDx
Classification: Uncertain significance. Last evaluated: 2025-06-23. Review status: criteria provided, single submitter. Criteria: GeneDx Variant Classification Process June 2021. Collection method: clinical testing. Allele origin: germline. Affected: yes.
Comment: Not observed at significant frequency in large population cohorts (gnomAD); In silico analysis supports that this missense variant has a deleterious effect on protein structure/function; Has not been previously published as pathogenic or benign to our knowledge

NM_004092.4(ECHS1):c.287C>T (p.Ala96Val)

Gene: ECHS1 (enoyl-CoA hydratase, short chain 1; minus strand). Cytogenetic location: 10q26.3.
Variant type: single nucleotide variant.
Coding change: c.287C>T on transcript NM_004092.4 (MANE Select); coding-DNA position 287, C replaced by T.
Protein change: p.Ala96Val; replaces alanine 96 with valine.
Molecular consequence: missense variant.
Genome position (GRCh38, 1-based): chr10:133,370,031, G>A on the plus strand (C>T on the coding strand, the complement: ECHS1 is on the minus strand). VCF-style: chr10-133370031-G-A. GRCh37 (hg19) VCF-style: chr10-135183535-G-A.
Other names: short protein forms A96V.
Identifiers: ClinVar variation 4540140 (VCV004540140.1).